The following is an entry in ClinVar:

NM_001854.4(COL11A1):c.4858+6T>C

Gene: COL11A1 (collagen type XI alpha 1 chain; minus strand). Cytogenetic location: 1p21.1.
Variant type: single nucleotide variant.
Coding change: c.4858+6T>C on transcript NM_001854.4 (MANE Select); 6 bases into the intron after coding-DNA position 4858, T replaced by C.
Molecular consequence: intron variant.
Genome position (GRCh38, 1-based): chr1:102,886,801, A>G on the plus strand (T>C on the coding strand, the complement: COL11A1 is on the minus strand). VCF-style: chr1-102886801-A-G. GRCh37 (hg19) VCF-style: chr1-103352357-A-G.
Other names: c.4741+6T>C (NM_001190709.2); c.4894+6T>C (NM_080629.3); c.4510+6T>C (NM_080630.4).
Identifiers: ClinVar variation 1505715 (VCV001505715.6), dbSNP rs138202640, ClinGen allele CA973400.

ClinVar aggregate classification (germline): Uncertain significance (1 of 4 stars; one submission).

Allele frequency attached by ClinVar (database versions not stated): gnomAD 0.00004; ESP Exome Variant Server 0.00008.
gnomAD v4.1: 8 of 1,613,726 alleles (0.0005%); highest among the groups gnomAD compares: African/African-American, 0.011%; no homozygotes.

Submission:

Labcorp Genetics (formerly Invitae), Labcorp
Classification: Uncertain significance. Last evaluated: 2025-12-30. Review status: criteria provided, single submitter. Criteria: Invitae Variant Classification Sherloc (09022015). Collection method: clinical testing. Allele origin: germline.
Comment: This sequence change falls in intron 63 of the COL11A1 gene. It does not directly change the encoded amino acid sequence of the COL11A1 protein. It affects a nucleotide within the consensus splice site. This variant is not present in population databases (gnomAD no frequency). This variant has not been reported in the literature in individuals affected with COL11A1-related conditions. ClinVar contains an entry for this variant (Variation ID: 1505715). Variants that disrupt the consensus splice site are a relatively common cause of aberrant splicing (PMID: 17576681, 9536098). Algorithms developed to predict the effect of sequence changes on RNA splicing suggest that this variant is not likely to affect RNA splicing. In summary, the available evidence is currently insufficient to determine the role of this variant in disease. Therefore, it has been classified as a Variant of Uncertain Significance.

Literature cited by the submitters: PubMed 17576681; PubMed 9536098.